The following is an entry in ClinVar:

NM_000173.7(GP1BA):c.1436del (p.Phe478_Leu479insTer)

Gene: GP1BA (glycoprotein Ib platelet subunit alpha; plus strand). Cytogenetic location: 17p13.2.
Variant type: Deletion.
Coding change: c.1436del on transcript NM_000173.7 (MANE Select); coding-DNA position 1436, one base deleted (T; older notation c.1436delT).
Protein change: p.Phe478_Leu479insTer.
Molecular consequence: nonsense.
Genome position (GRCh38, 1-based): chr17:4,934,040, T deleted; the last of 5 consecutive T bases (chr17:4,934,036-4,934,040); deleting any one gives the same sequence. VCF-style (leftmost placement, unchanged base first): chr17-4934035-AT-A. GRCh37 (hg19) VCF-style: chr17-4837330-AT-A.
Other names: NM_000173.7(GP1BA):c.1436del; p.Phe478_Leu479insTer.
Identifiers: ClinVar variation 1684369 (VCV001684369.2), dbSNP rs1172767977, ClinGen allele CA772703383.
Genomic context (GRCh38, chr17:4,934,035, plus strand): 5'-CATCGCCACAAGCCCGACCATCCTGGTGTCTGCCACAAGCCTGATCACTCCAAAAAGCAC[AT>A]TTTTAACTACCACAAAACCCGTATCACTCTTAGAATCCACCAAAAAAACCATCCCTGAAC-3'

ClinVar aggregate classification (germline): Uncertain significance. Review status: reviewed by expert panel (3 of 4 stars). 2 submissions from 2 submitters: Uncertain significance (1). 1 of the submissions does not count toward it. Last evaluated 2025-02-11.

Conditions:
Bernard Soulier syndrome (BSS). Also called: PLATELET GLYCOPROTEIN Ib DEFICIENCY; VON WILLEBRAND FACTOR RECEPTOR DEFICIENCY; Giant platelet syndrome; Hemorrhagiparous thrombocytic dystrophy; Giant platelet disease; BLEEDING DISORDER, PLATELET-TYPE, 1. Identifiers: Orphanet 274, MedGen C0005129, MeSH D001606, MONDO:0009276, OMIM 231200.

Submissions (2):

ClinGen Platelet Disorders Variant Curation Expert Panel, ClinGen
Classification: Uncertain significance for Bernard Soulier syndrome. Last evaluated: 2025-02-11. Review status: reviewed by expert panel. Criteria: ClinGen Platelet ACMG Specifications GP1BA V1.0.0. Collection method: curation. Allele origin: germline. Inheritance: Autosomal recessive inheritance.
Comment: The NM_000173.7(GP1BA):c.1436del frameshift variant in exon 2, of 2, results in an immediate premature stop codon. It is not predicted to trigger NMD, instead truncating 27% of the protein, including the critical transmembrane domain (PVS1_strong). The Grpmax filtering allele frequency in gnomADv4.1 is 0.000002470 (based on 7/1179834 alleles) in the European (non-Finnish) population, which is below the <0.0001114 threshold for PM2_supporting. Flow cytometry was suggestive of type I BSS but there is insufficient information for PP4. In summary, this variant meets the criteria to be classified as variant of uncertain significance for autosomal recessive Bernard-Soulier syndrome based on the ACMG/AMP criteria applied, as specified by the ClinGen PD VCEP: PVS1_Strong and PM2_supporting.

ISTH-SSC Genomics in Thrombosis and Hemostasis, KU Leuven, Center for Molecular and Vascular Biology
Classification: Likely pathogenic for Bernard Soulier syndrome. Review status: no assertion criteria provided. Collection method: research. Allele origin: unknown. Affected: yes. Not counted in ClinVar's aggregate classification.
Comment: Submitted to GoldVariant by Dr Marie-Christine Morel-Kopp from Northern Blood Research Centre, Sydney, Australia